The following is an entry in ClinVar:

ClinVar aggregate classification (germline): Conflicting classifications of pathogenicity. Review status: criteria provided, conflicting classifications (1 of 4 stars). 2 submissions from 2 submitters: Likely pathogenic (1); Uncertain significance (1). Last evaluated 2024-11-06.

Submissions (2):

Blueprint Genetics
Classification: Uncertain significance. Last evaluated: 2024-11-06. Review status: criteria provided, single submitter. Criteria: ACMG Guidelines, 2015. Collection method: clinical testing. Allele origin: germline.

Labcorp Genetics (formerly Invitae), Labcorp
Classification: Likely pathogenic. Last evaluated: 2022-08-31. Review status: criteria provided, single submitter. Criteria: Invitae Variant Classification Sherloc (09022015). Collection method: clinical testing. Allele origin: germline.
Comment: In summary, the currently available evidence indicates that the variant is pathogenic, but additional data are needed to prove that conclusively. Therefore, this variant has been classified as Likely Pathogenic. Advanced modeling of protein sequence and biophysical properties (such as structural, functional, and spatial information, amino acid conservation, physicochemical variation, residue mobility, and thermodynamic stability) performed at Invitae indicates that this missense variant is expected to disrupt ABCA4 protein function. ClinVar contains an entry for this variant (Variation ID: 958944). This missense change has been observed in individual(s) with Stargardt disease (Invitae). This variant is not present in population databases (gnomAD no frequency). This sequence change replaces alanine, which is neutral and non-polar, with valine, which is neutral and non-polar, at codon 2082 of the ABCA4 protein (p.Ala2082Val).

NM_000350.3(ABCA4):c.6245C>T (p.Ala2082Val)

Gene: ABCA4 (ATP binding cassette subfamily A member 4; minus strand). Cytogenetic location: 1p22.1.
Variant type: single nucleotide variant.
Coding change: c.6245C>T on transcript NM_000350.3 (MANE Select); coding-DNA position 6245, C replaced by T.
Protein change: p.Ala2082Val; replaces alanine 2082 with valine.
Molecular consequence: missense variant.
Genome position (GRCh38, 1-based): chr1:94,001,895, G>A on the plus strand (C>T on the coding strand, the complement: ABCA4 is on the minus strand). VCF-style: chr1-94001895-G-A. GRCh37 (hg19) VCF-style: chr1-94467451-G-A.
Other names: c.6023C>T, p.Ala2008Val (NM_001425324.1); short protein forms A2082V, A2008V.
Identifiers: ClinVar variation 958944 (VCV000958944.10), dbSNP rs1659195030, ClinGen allele CA341278202.